The following is an entry in ClinVar:

ClinVar aggregate classification (germline): Pathogenic (1 of 4 stars; one submission).

Conditions:
Autosomal dominant intellectual disability-craniofacial anomalies-cardiac defects syndrome (ARTHS). Also called: KAT6A syndrome; Arboleda-Tham syndrome; Mental retardation, autosomal dominant 32. Identifiers: Orphanet 457193, MedGen C4225396, MONDO:0014558, OMIM 616268.

Submission:

Victorian Clinical Genetics Services, Murdoch Childrens Research Institute
Classification: Pathogenic for Autosomal dominant intellectual disability-craniofacial anomalies-cardiac defects syndrome. Last evaluated: 2020-05-25. Review status: criteria provided, single submitter. Criteria: ACMG Guidelines, 2015. Collection method: clinical testing. Allele origin: germline. Inheritance: Autosomal dominant inheritance.
Comment: Based on the classification scheme VCGS_Germline_v1.1.1, this variant is classified as Pathogenic. Following criteria are met: 0102 - Loss-of-function is a known mechanism of disease for this gene. (N) 0107 - This gene is known to be associated with autosomal dominant disease. (N) 0204 - Variant is predicted to result in a truncated protein with more than 1/3 of the protein affected (exon 17 of 17). (P) 0251 - Variant is heterozygous. (N) 0301 - Variant is absent from gnomAD. (P) 0401 - Variant is located in a gene associated with a severe early-onset dominant condition that is intolerant to loss-of-function variants. (P) 0701 - Comparable variants have very strong previous evidence for pathogenicity. More than 10 truncating variants downstream have been reported as likely pathogenic/pathogenic (ClinVar). (P) 0807 - Variant has not previously been reported in a clinical context. (P) Legend: (P) - Pathogenic, (N) - Neutral, (B) - Benign

NM_006766.5(KAT6A):c.3820G>T (p.Glu1274Ter)

Gene: KAT6A (lysine acetyltransferase 6A; minus strand). Cytogenetic location: 8p11.21.
Variant type: single nucleotide variant.
Coding change: c.3820G>T on transcript NM_006766.5 (MANE Select); coding-DNA position 3820, G replaced by T.
Protein change: p.Glu1274Ter; replaces glutamic acid 1274 with a stop codon.
Molecular consequence: nonsense.
Genome position (GRCh38, 1-based): chr8:41,934,400, C>A on the plus strand (G>T on the coding strand, the complement: KAT6A is on the minus strand). VCF-style: chr8-41934400-C-A. GRCh37 (hg19) VCF-style: chr8-41791918-C-A.
Other names: short protein forms E1274*.
Identifiers: ClinVar variation 1805561 (VCV001805561.1), dbSNP rs2486757265, ClinGen allele CA371068258.